The following is an entry in ClinVar:

ClinVar aggregate classification (germline): Uncertain significance. Review status: criteria provided, multiple submitters, no conflicts (2 of 4 stars). 4 submissions from 4 submitters: Uncertain significance (4). Last evaluated 2025-02-01.

Conditions:
Hereditary cancer-predisposing syndrome. Also called: Tumor predisposition; Hereditary Cancer Syndrome; Hereditary neoplastic syndrome; Neoplastic Syndromes, Hereditary. Identifiers: Orphanet 140162, MedGen C0027672, MeSH D009386, MONDO:0015356.
Familial cancer of breast. Also called: BREAST CANCER, FAMILIAL; hereditary breast carcinoma; Hereditary breast cancer. Identifiers: Orphanet 227535, MedGen C0346153, MONDO:0016419, OMIM 114480. Disease mechanism: loss of function.

Submissions (4):

Ambry Genetics
Classification: Uncertain significance for Hereditary cancer-predisposing syndrome. Last evaluated: 2025-02-01. Review status: criteria provided, single submitter. Criteria: Ambry Variant Classification Scheme 2023. Collection method: clinical testing. Allele origin: germline.
Comment: The p.Y423C variant (also known as c.1268A>G), located in coding exon 9 of the ATM gene, results from an A to G substitution at nucleotide position 1268. The tyrosine at codon 423 is replaced by cysteine, an amino acid with highly dissimilar properties. This amino acid position is conserved. In addition, the in silico prediction for this alteration is inconclusive. Based on the available evidence, the clinical significance of this variant remains unclear.

Blueprint Genetics
Classification: Uncertain significance. Last evaluated: 2024-04-26. Review status: criteria provided, single submitter. Criteria: ACMG Guidelines, 2015. Collection method: clinical testing. Allele origin: germline.

Baylor Genetics
Classification: Uncertain significance for Familial cancer of breast. Last evaluated: 2023-06-09. Review status: criteria provided, single submitter. Criteria: ACMG Guidelines, 2015. Collection method: clinical testing. Allele origin: unknown.

GeneDx
Classification: Uncertain significance. Last evaluated: 2022-10-13. Review status: criteria provided, single submitter. Criteria: GeneDx Variant Classification Process June 2021. Collection method: clinical testing. Allele origin: germline. Affected: yes.
Comment: Not observed at significant frequency in large population cohorts (gnomAD); In silico analysis supports that this missense variant has a deleterious effect on protein structure/function; Has not been previously published as pathogenic or benign to our knowledge

NM_000051.4(ATM):c.1268A>G (p.Tyr423Cys)

Gene: ATM (ATM serine/threonine kinase; plus strand). Cytogenetic location: 11q22.3.
Variant type: single nucleotide variant.
Coding change: c.1268A>G on transcript NM_000051.4 (MANE Select); coding-DNA position 1268, A replaced by G.
Protein change: p.Tyr423Cys; replaces tyrosine 423 with cysteine.
Molecular consequence: missense variant.
Genome position (GRCh38, 1-based): chr11:108,250,733, A>G. VCF-style: chr11-108250733-A-G. GRCh37 (hg19) VCF-style: chr11-108121460-A-G.
Other names: c.1268A>G, p.Tyr423Cys (NM_001351834.2); short protein forms Y423C.
Identifiers: ClinVar variation 423007 (VCV000423007.7), dbSNP rs1064796159, ClinGen allele CA16619113.